The following is an entry in ClinVar:

NM_000384.3(APOB):c.2027C>T (p.Thr676Ile)

Gene: APOB (apolipoprotein B; minus strand). Cytogenetic location: 2p24.1.
Variant type: single nucleotide variant.
Coding change: c.2027C>T on transcript NM_000384.3 (MANE Select); coding-DNA position 2027, C replaced by T.
Protein change: p.Thr676Ile; replaces threonine 676 with isoleucine.
Molecular consequence: missense variant.
Genome position (GRCh38, 1-based): chr2:21,027,868, G>A on the plus strand (C>T on the coding strand, the complement: APOB is on the minus strand). VCF-style: chr2-21027868-G-A. GRCh37 (hg19) VCF-style: chr2-21250740-G-A.
Other names: short protein forms T676I.
Identifiers: ClinVar variation 628028 (VCV000628028.7), dbSNP rs1157714858, ClinGen allele CA346013517.

ClinVar aggregate classification (germline): Uncertain significance. Review status: criteria provided, multiple submitters, no conflicts (2 of 4 stars). 2 submissions from 2 submitters: Uncertain significance (2). Last evaluated 2026-03-05.

Conditions:
Cardiovascular phenotype. Identifiers: MedGen CN230736.

Allele frequency attached by ClinVar (database versions not stated): gnomAD 0.00001; TOPMed 0.00001.
gnomAD v4.1: 1 of 1,613,958 alleles (0.000062%); highest among the groups gnomAD compares: African/African-American, 0.0013%; no homozygotes.

Submissions (2):

GeneDx
Classification: Uncertain significance. Last evaluated: 2026-03-05. Review status: criteria provided, single submitter. Criteria: GeneDx Variant Classification Process June 2021. Collection method: clinical testing. Allele origin: germline.
Comment: Not observed at significant frequency in large population cohorts (gnomAD); In silico analysis supports that this missense variant has a deleterious effect on protein structure/function; Has not been previously published as pathogenic or benign to our knowledge

Ambry Genetics
Classification: Uncertain significance for Cardiovascular phenotype. Last evaluated: 2023-06-09. Review status: criteria provided, single submitter. Criteria: Ambry Variant Classification Scheme 2023. Collection method: clinical testing. Allele origin: germline.
Comment: The p.T676I variant (also known as c.2027C>T), located in coding exon 14 of the APOB gene, results from a C to T substitution at nucleotide position 2027. The threonine at codon 676 is replaced by isoleucine, an amino acid with similar properties. This amino acid position is conserved. In addition, this alteration is predicted to be deleterious by in silico analysis. Since supporting evidence is limited at this time, the clinical significance of this alteration remains unclear.